The following is an entry in ClinVar:

NM_001197104.2(KMT2A):c.5804_5817dup (p.Gln1940fs)

Gene: KMT2A (lysine methyltransferase 2A; plus strand). Cytogenetic location: 11q23.3.
Variant type: Duplication.
Coding change: c.5804_5817dup on transcript NM_001197104.2 (MANE Select); coding-DNA positions 5804 to 5817, 14 bases duplicated (GATGTGAATTCTGC).
Protein change: p.Gln1940fs; shifts the reading frame from glutamine 1940.
Molecular consequence: frameshift variant.
Genome position (GRCh38, 1-based): chr11:118,498,371-118,498,384, GATGTGAATTCTGC duplicated. VCF-style (leftmost placement, unchanged base first): chr11-118498370-A-AGATGTGAATTCTGC. GRCh37 (hg19) VCF-style: chr11-118369085-A-AGATGTGAATTCTGC.
Other names: c.5795_5808dup, p.Gln1937fs (NM_005933.4); short protein forms Q1940fs, Q1937fs.
Identifiers: ClinVar variation 817828 (VCV000817828.1), dbSNP rs1591274900, ClinGen allele CA915947779.
Genomic context (GRCh38, chr11:118,498,370, plus strand): 5'-GGTAAACGTCTTAAAACATATGAAAGTCTGAATAGGACTCTGTTCTTTTTGGATTTTTAG[A>AGATGTGAATTCTGC]GATGTGAATTCTGCCAAAAGCCAGGAGCCACCGTGGGTTGCTGTCTCACATCCTGCACCA-3'

ClinVar aggregate classification (germline): Pathogenic (1 of 4 stars; one submission).

Submission:

GeneDx
Classification: Pathogenic. Last evaluated: 2018-10-02. Review status: criteria provided, single submitter. Criteria: GeneDx Variant Classification (06012015). Collection method: clinical testing. Allele origin: germline. Affected: yes.
Comment: The c.5804_5817dup14 variant in the KMT2A gene has not been reported previously as a pathogenic variant nor as a benign variant, to our knowledge. The c.5804_5817dup14 variant causes a frameshift starting with codon Glutamine 1940, changes this amino acid to an Aspartic Acid residue, and creates a premature Stop codon at position 49 of the new reading frame, denoted p.Gln1940AspfsX49. This variant is predicted to cause loss of normal protein function either through protein truncation or nonsense-mediated mRNA decay. The c.5804_5817dup14 variant is not observed in large population cohorts (Lek et al., 2016). We interpret c.5804_5817dup14 as a pathogenic variant.